The following is an entry in ClinVar:

NM_000081.4(LYST):c.3073A>C (p.Asn1025His)

Gene: LYST (lysosomal trafficking regulator; minus strand). Cytogenetic location: 1q42.3.
Variant type: single nucleotide variant.
Coding change: c.3073A>C on transcript NM_000081.4 (MANE Select); coding-DNA position 3073, A replaced by C.
Protein change: p.Asn1025His; replaces asparagine 1025 with histidine.
Molecular consequence: missense variant.
Genome position (GRCh38, 1-based): chr1:235,806,063, T>G on the plus strand (A>C on the coding strand, the complement: LYST is on the minus strand). VCF-style: chr1-235806063-T-G. GRCh37 (hg19) VCF-style: chr1-235969363-T-G.
Other names: c.3073A>C, p.Asn1025His (NM_001301365.1); short protein forms N1025H.
Identifiers: ClinVar variation 1511294 (VCV001511294.7), dbSNP rs2527074444, ClinGen allele CA344953664.

ClinVar aggregate classification (germline): Uncertain significance (1 of 4 stars; one submission).

Conditions:
Chédiak-Higashi syndrome (CHS). Also called: Chediak-Higashi Syndrome. Identifiers: Orphanet 167, MedGen C0007965, MONDO:0008963, OMIM 214500.

Submission:

Labcorp Genetics (formerly Invitae), Labcorp
Classification: Uncertain significance for Chédiak-Higashi syndrome. Last evaluated: 2021-02-17. Review status: criteria provided, single submitter. Criteria: Invitae Variant Classification Sherloc (09022015). Collection method: clinical testing. Allele origin: germline.
Comment: In summary, the available evidence is currently insufficient to determine the role of this variant in disease. Therefore, it has been classified as a Variant of Uncertain Significance. Algorithms developed to predict the effect of missense changes on protein structure and function output the following: SIFT: "Tolerated"; PolyPhen-2: "Benign"; Align-GVGD: "Class C0". The histidine amino acid residue is found in multiple mammalian species, suggesting that this missense change does not adversely affect protein function. These predictions have not been confirmed by published functional studies and their clinical significance is uncertain. This variant has not been reported in the literature in individuals with LYST-related conditions. This variant is not present in population databases (ExAC no frequency). This sequence change replaces asparagine with histidine at codon 1025 of the LYST protein (p.Asn1025His). The asparagine residue is weakly conserved and there is a small physicochemical difference between asparagine and histidine.